The following is an entry in ClinVar:

ClinVar aggregate classification (germline): Uncertain significance (1 of 4 stars; one submission).

Conditions:
Inborn genetic diseases. Identifiers: MedGen C0950123, MeSH D030342.

gnomAD v4.1: 1 of 1,613,886 alleles (0.000062%); highest among the groups gnomAD compares: Non-Finnish European, 0.000085%; no homozygotes.

Submission:

Ambry Genetics
Classification: Uncertain significance for Inborn genetic diseases. Last evaluated: 2023-09-28. Review status: criteria provided, single submitter. Criteria: Ambry Variant Classification Scheme 2023. Collection method: clinical testing. Allele origin: germline.
Comment: The p.A865V variant (also known as c.2594C>T), located in coding exon 16 of the EPAS1 gene, results from a C to T substitution at nucleotide position 2594. The alanine at codon 865 is replaced by valine, an amino acid with similar properties. This amino acid position is conserved. In addition, this alteration is predicted to be deleterious by in silico analysis. Since supporting evidence is limited at this time, the clinical significance of this alteration remains unclear.

NM_001430.5(EPAS1):c.2594C>T (p.Ala865Val)

Gene: EPAS1 (endothelial PAS domain protein 1; plus strand). Cytogenetic location: 2p21.
Variant type: single nucleotide variant.
Coding change: c.2594C>T on transcript NM_001430.5 (MANE Select); coding-DNA position 2594, C replaced by T.
Protein change: p.Ala865Val; replaces alanine 865 with valine.
Molecular consequence: missense variant.
Genome position (GRCh38, 1-based): chr2:46,384,641, C>T. VCF-style: chr2-46384641-C-T. GRCh37 (hg19) VCF-style: chr2-46611780-C-T.
Other names: short protein forms A865V.
Identifiers: ClinVar variation 3221644 (VCV003221644.1), dbSNP rs2546483843, ClinGen allele CA346707198.
Genomic context (GRCh38, chr2:46,384,641, plus strand): 5'-AGGTGAACGTGCCCGTGCTGGGAAGCTCCACGCTCCTGCAAGGAGGGGACCTCCTCAGAG[C>T]CCTGGACCAGGCCACCTGAGCCAGGCCTTCTACCTGGGCAGCACCTCTGCCGACGCCGTC-3'
Protein context (NP_001421.2, residues 855-870): TLLQGGDLLR[Ala865Val]LDQAT